The following is an entry in ClinVar:

ClinVar aggregate classification (germline): Uncertain significance. Review status: criteria provided, single submitter (1 of 4 stars). 2 submissions from 2 submitters: Uncertain significance (1). 1 of the submissions does not count toward it. Last evaluated 2020-06-15.

Conditions:
Hereditary breast ovarian cancer syndrome. Also called: Hereditary breast and ovarian cancer syndrome; Hereditary breast and ovarian cancer; Hereditary breast and ovarian cancer syndrome (HBOC); Breast and ovarian cancer; Hereditary breast and/or ovarian cancer syndrome; BRCA1- and BRCA2-Associated Hereditary Breast and Ovarian Cancer. Identifiers: Orphanet 145, MedGen C0677776, MeSH D061325, MONDO:0003582. Disease mechanism: loss of function.
Breast-ovarian cancer, familial, susceptibility to, 2 (BROVCA2). Also called: BRCA2 Hereditary Breast and Ovarian Cancer. Identifiers: Orphanet 145, MedGen C2675520, MONDO:0012933, OMIM 612555. Disease mechanism: loss of function.

Submissions (2):

Labcorp Genetics (formerly Invitae), Labcorp
Classification: Uncertain significance for Hereditary breast ovarian cancer syndrome. Last evaluated: 2020-06-15. Review status: criteria provided, single submitter. Criteria: Invitae Variant Classification Sherloc (09022015). Collection method: clinical testing. Allele origin: germline.
Comment: In summary, the available evidence is currently insufficient to determine the role of this variant in disease. Therefore, it has been classified as a Variant of Uncertain Significance. Algorithms developed to predict the effect of missense changes on protein structure and function output the following: SIFT: "Tolerated"; PolyPhen-2: "Benign"; Align-GVGD: "Class C0". The glycine amino acid residue is found in multiple mammalian species, suggesting that this missense change does not adversely affect protein function. These predictions have not been confirmed by published functional studies and their clinical significance is uncertain. This variant has been reported in individuals in the Breast Cancer Information Core database (PMID: 10923033). ClinVar contains an entry for this variant (Variation ID: 51613). This variant is not present in population databases (ExAC no frequency). This sequence change replaces serine with glycine at codon 140 of the BRCA2 protein (p.Ser140Gly). The serine residue is moderately conserved and there is a small physicochemical difference between serine and glycine.

Breast Cancer Information Core (BIC) (BRCA2)
Classification: Uncertain significance for Breast-ovarian cancer, familial 2. Last evaluated: 2004-03-30. Review status: no assertion criteria provided. Collection method: clinical testing. Allele origin: germline. Affected: yes. Observed: 1 variant allele. Not counted in ClinVar's aggregate classification.

Literature cited by the submitters: PubMed 10923033 (cited by Labcorp Genetics (formerly Invitae), Labcorp).

NM_000059.4(BRCA2):c.418A>G (p.Ser140Gly)

Gene: BRCA2 (BRCA2 DNA repair associated; plus strand). Cytogenetic location: 13q13.1.
Variant type: single nucleotide variant.
Coding change: c.418A>G on transcript NM_000059.4 (MANE Select); coding-DNA position 418, A replaced by G.
Protein change: p.Ser140Gly; replaces serine 140 with glycine.
Molecular consequence: missense variant.
Genome position (GRCh38, 1-based): chr13:32,325,177, A>G. VCF-style: chr13-32325177-A-G. GRCh37 (hg19) VCF-style: chr13-32899314-A-G.
Other names: short protein forms S140G.
Identifiers: ClinVar variation 51613 (VCV000051613.11), dbSNP rs80358662, ClinGen allele CA019703.
Genomic context (GRCh38, chr13:32,325,177, plus strand): 5'-GTGAAAACTAAAATGGATCAAGCAGATGATGTTTCCTGTCCACTTCTAAATTCTTGTCTT[A>G]GTGAAAGGTATGATGAAGCTATTATATTAAAATATTTAAATGAAACATTTTCCTACATAT-3'
Protein context (NP_000050.3, residues 130-150): VSCPLLNSCL[Ser140Gly]ESPVVLQCTH